The following is an entry in ClinVar:

ClinVar aggregate classification (germline): Uncertain significance (1 of 4 stars; one submission).

Allele frequency attached by ClinVar (database versions not stated): gnomAD 0.00003; TOPMed 0.00003; gnomAD exomes 0.00004.
gnomAD v4.1: 59 of 1,613,932 alleles (0.0037%); highest among the groups gnomAD compares: East Asian, 0.033%; no homozygotes.

Submission:

Labcorp Genetics (formerly Invitae), Labcorp
Classification: Uncertain significance. Last evaluated: 2022-02-13. Review status: criteria provided, single submitter. Criteria: Invitae Variant Classification Sherloc (09022015). Collection method: clinical testing. Allele origin: germline.
Comment: This sequence change replaces aspartic acid, which is acidic and polar, with asparagine, which is neutral and polar, at codon 305 of the HSPG2 protein (p.Asp305Asn). This variant is present in population databases (rs372437693, gnomAD 0.005%). This variant has not been reported in the literature in individuals affected with HSPG2-related conditions. Algorithms developed to predict the effect of missense changes on protein structure and function are either unavailable or do not agree on the potential impact of this missense change (SIFT: "Deleterious"; PolyPhen-2: "Probably Damaging"; Align-GVGD: "Class C0"). In summary, the available evidence is currently insufficient to determine the role of this variant in disease. Therefore, it has been classified as a Variant of Uncertain Significance.

NM_005529.7(HSPG2):c.913G>A (p.Asp305Asn)

Gene: HSPG2 (heparan sulfate proteoglycan 2; minus strand). Cytogenetic location: 1p36.12.
Variant type: single nucleotide variant.
Coding change: c.913G>A on transcript NM_005529.7 (MANE Select); coding-DNA position 913, G replaced by A.
Protein change: p.Asp305Asn; replaces aspartic acid 305 with asparagine.
Molecular consequence: missense variant.
Genome position (GRCh38, 1-based): chr1:21,887,465, C>T on the plus strand (G>A on the coding strand, the complement: HSPG2 is on the minus strand). VCF-style: chr1-21887465-C-T. GRCh37 (hg19) VCF-style: chr1-22213958-C-T.
Other names: c.913G>A, p.Asp305Asn (NM_001291860.2); short protein forms D305N.
Identifiers: ClinVar variation 1966809 (VCV001966809.2), dbSNP rs372437693, ClinGen allele CA673666.